The following is an entry in ClinVar:

NM_001130987.2(DYSF):c.5153G>A (p.Gly1718Glu)

Gene: DYSF (dysferlin; plus strand). Cytogenetic location: 2p13.2.
Variant type: single nucleotide variant.
Coding change: c.5153G>A on transcript NM_001130987.2 (MANE Select); coding-DNA position 5153, G replaced by A.
Protein change: p.Gly1718Glu; replaces glycine 1718 with glutamic acid.
Molecular consequence: missense variant.
Genome position (GRCh38, 1-based): chr2:71,664,417, G>A. VCF-style: chr2-71664417-G-A. GRCh37 (hg19) VCF-style: chr2-71891547-G-A.
Other names: c.5039G>A, p.Gly1680Glu (NM_001130455.2); c.4994G>A, p.Gly1665Glu (NM_001130976.2); c.5057G>A, p.Gly1686Glu (NM_001130977.2); c.5099G>A, p.Gly1700Glu (NM_001130978.2); c.5129G>A, p.Gly1710Glu (NM_001130979.2); c.5087G>A, p.Gly1696Glu (NM_001130980.2); c.5150G>A, p.Gly1717Glu (NM_001130981.2); c.5132G>A, p.Gly1711Glu (NM_001130982.2); and 5 more; short protein forms G1665E, G1666E, G1679E, G1680E, G1686E, G1687E, G1696E, G1697E.
Identifiers: ClinVar variation 4815152 (VCV004815152.1).

ClinVar aggregate classification (germline): Likely pathogenic (1 of 4 stars; one submission).

Conditions:
Autosomal recessive limb-girdle muscular dystrophy type 2B (LGMDR2). Also called: MUSCULAR DYSTROPHY, LIMB-GIRDLE, TYPE 3; MUSCULAR DYSTROPHY, LIMB-GIRDLE, AUTOSOMAL RECESSIVE 2; Limb-Girdle Muscular Dystrophy Type 2B (LGMD2B); Limb-girdle muscular dystrophy, type 2B. Identifiers: Orphanet 268, MedGen C1850889, MONDO:0009676, OMIM 253601.

gnomAD v4.1: 1 of 1,614,172 alleles (0.000062%); highest among the groups gnomAD compares: Admixed American, 0.0017%; no homozygotes.

Submission:

Natera, Inc.
Classification: Likely pathogenic for Limb-girdle muscular dystrophy type 2B. Last evaluated: 2024-11-12. Review status: criteria provided, single submitter. Criteria: Natera Variant Classification Schema (03/2026). Collection method: clinical testing. Allele origin: germline.
Comment: The c.5036G>A variant in DYSF is a missense variant predicted to cause substitution of glycine to glutamic acid at amino acid 1679. This variant is rare in the general population with a frequency below the threshold expected for the associated phenotype(s). This variant has been observed in one or more individuals affected with the associated recessive disease, as either homozygous or compound heterozygous with a second variant (PMID: 33927379, 12796534). Additionally, this variant has been observed to segregate in affected family members (PMID: 33927379). Computational prediction algorithms indicate this variant is likely to affect gene or protein function. Given the available evidence, this variant is classified as Likely Pathogenic.

Literature cited by the submitters: PubMed 33927379; PubMed 12796534.